The following is an entry in ClinVar:

NM_030625.3(TET1):c.4509G>C (p.Arg1503=)

Gene: TET1 (tet methylcytosine dioxygenase 1; plus strand). Cytogenetic location: 10q21.3.
Variant type: single nucleotide variant.
Coding change: c.4509G>C on transcript NM_030625.3 (MANE Select); coding-DNA position 4509, G replaced by C.
Protein change: p.Arg1503=; no amino-acid change (arginine 1503 retained).
Molecular consequence: synonymous variant.
Genome position (GRCh38, 1-based): chr10:68,667,092, G>C. VCF-style: chr10-68667092-G-C. GRCh37 (hg19) VCF-style: chr10-70426849-G-C.
Identifiers: ClinVar variation 789032 (VCV000789032.6), dbSNP rs147704664, ClinGen allele CA5526657.

ClinVar aggregate classification (germline): Benign. Review status: criteria provided, multiple submitters, no conflicts (2 of 4 stars). 3 submissions from 3 submitters: Benign (2). 1 of the submissions does not count toward it. Last evaluated 2018-07-23.

Conditions:
TET1-related disorder. Also called: TET1-related condition.

Allele frequency attached by ClinVar (database versions not stated): gnomAD exomes 0.00098; ExAC 0.00109; ESP Exome Variant Server 0.00323; 1000 Genomes Project 30x 0.00328; 1000 Genomes Project 0.00339; gnomAD 0.00347 and 0.00367; TOPMed 0.00415.
gnomAD v4.1: 1,102 of 1,614,060 alleles (0.068%); highest among the groups gnomAD compares: African/African-American, 1.2%; 3 homozygotes.

Submissions (3):

Labcorp Genetics (formerly Invitae), Labcorp
Classification: Benign. Last evaluated: 2018-07-23. Review status: criteria provided, single submitter. Criteria: Invitae Variant Classification Sherloc (09022015). Collection method: clinical testing. Allele origin: germline.

Breakthrough Genomics
Classification: Benign. Review status: criteria provided, single submitter. Criteria: ACMG Guidelines, 2015. Collection method: not provided. Allele origin: germline. Inheritance: Unknown mechanism. Affected: yes.

PreventionGenetics, part of Exact Sciences
Classification: Benign for TET1-related condition. Last evaluated: 2019-06-27. Review status: no assertion criteria provided. Collection method: clinical testing. Allele origin: germline. Not counted in ClinVar's aggregate classification.
Comment: This variant is classified as benign based on ACMG/AMP sequence variant interpretation guidelines (Richards et al. 2015 PMID: 25741868, with internal and published modifications).